The following is an entry in ClinVar:

NM_000135.4(FANCA):c.3059G>A (p.Arg1020Lys)

Gene: FANCA (FA complementation group A; minus strand). Cytogenetic location: 16q24.3.
Variant type: single nucleotide variant.
Coding change: c.3059G>A on transcript NM_000135.4 (MANE Select); coding-DNA position 3059, G replaced by A.
Protein change: p.Arg1020Lys; replaces arginine 1020 with lysine.
Molecular consequence: missense variant.
Genome position (GRCh38, 1-based): chr16:89,752,145, C>T on the plus strand (G>A on the coding strand, the complement: FANCA is on the minus strand). VCF-style: chr16-89752145-C-T. GRCh37 (hg19) VCF-style: chr16-89818553-C-T.
Other names: c.3059G>A, p.Arg1020Lys (NM_001286167.3); short protein forms R1020K.
Identifiers: ClinVar variation 4254330 (VCV004254330.1).

ClinVar aggregate classification (germline): Uncertain significance (1 of 4 stars; one submission).

Conditions:
Inborn genetic diseases. Identifiers: MedGen C0950123, MeSH D030342.

Submission:

Ambry Genetics
Classification: Uncertain significance for Inborn genetic diseases. Last evaluated: 2025-09-04. Review status: criteria provided, single submitter. Criteria: Ambry Variant Classification Scheme 2023. Collection method: clinical testing. Allele origin: germline.
Comment: The p.R1020K variant (also known as c.3059G>A), located in coding exon 31 of the FANCA gene, results from a G to A substitution at nucleotide position 3059. The arginine at codon 1020 is replaced by lysine, an amino acid with highly similar properties. This amino acid position is conserved. In addition, the in silico prediction for this alteration is inconclusive. Based on the available evidence, the clinical significance of this variant remains unclear.